The following is an entry in ClinVar:

NM_000553.6(WRN):c.1652C>A (p.Pro551Gln)

Gene: WRN (WRN RecQ like helicase; plus strand). Cytogenetic location: 8p12.
Variant type: single nucleotide variant.
Coding change: c.1652C>A on transcript NM_000553.6 (MANE Select); coding-DNA position 1652, C replaced by A.
Protein change: p.Pro551Gln; replaces proline 551 with glutamine.
Molecular consequence: missense variant.
Genome position (GRCh38, 1-based): chr8:31,088,965, C>A. VCF-style: chr8-31088965-C-A. GRCh37 (hg19) VCF-style: chr8-30946481-C-A.
Other names: short protein forms P551Q.
Identifiers: ClinVar variation 1353283 (VCV001353283.6), dbSNP rs781107893, ClinGen allele CA370926565.

ClinVar aggregate classification (germline): Uncertain significance (1 of 4 stars; one submission).

Conditions:
Werner syndrome (WRN). Identifiers: Orphanet 902, MedGen C0043119, MONDO:0010196, OMIM 277700.

Submission:

Labcorp Genetics (formerly Invitae), Labcorp
Classification: Uncertain significance for Werner syndrome. Last evaluated: 2025-06-09. Review status: criteria provided, single submitter. Criteria: Invitae Variant Classification Sherloc (09022015). Collection method: clinical testing. Allele origin: germline.
Comment: This sequence change replaces proline, which is neutral and non-polar, with glutamine, which is neutral and polar, at codon 551 of the WRN protein (p.Pro551Gln). This variant is not present in population databases (gnomAD no frequency). This variant has not been reported in the literature in individuals affected with WRN-related conditions. ClinVar contains an entry for this variant (Variation ID: 1353283). An algorithm developed to predict the effect of missense changes on protein structure and function (PolyPhen-2) suggests that this variant is likely to be disruptive. In summary, the available evidence is currently insufficient to determine the role of this variant in disease. Therefore, it has been classified as a Variant of Uncertain Significance.